The following is an entry in ClinVar:

ClinVar aggregate classification (germline): Benign (3 of 4 stars; one submission).

Conditions:
Breast-ovarian cancer, familial, susceptibility to, 1 (BROVCA1). Also called: BRCA1 Hereditary Breast and Ovarian Cancer; OVARIAN CANCER, SUSCEPTIBILITY TO. Identifiers: Orphanet 145, MedGen C2676676, MONDO:0011450, OMIM 604370. Disease mechanism: loss of function.

Allele frequency attached by ClinVar (database versions not stated): 1000 Genomes Project 0.00379; 1000 Genomes Project 30x 0.00390; TOPMed 0.01157; gnomAD 0.01410.
gnomAD v4.1: 2,013 of 150,804 alleles (1.3%); highest among the groups gnomAD compares: Non-Finnish European, 1.9%; 20 homozygotes.

Submission:

Evidence-based Network for the Interpretation of Germline Mutant Alleles (ENIGMA)
Classification: Benign for Breast-ovarian cancer, familial 1. Last evaluated: 2015-01-12. Review status: reviewed by expert panel. Criteria: ENIGMA BRCA1/2 Classification Criteria (2015). Collection method: curation. Allele origin: germline.
Comment: Class 1 not pathogenic based on frequency >1% in an outbred sampleset. Frequency 0.01319 (European), derived from 1000 genomes (2012-04-30).

NM_007294.4(BRCA1):c.80+3038C>T

Gene: BRCA1 (BRCA1 DNA repair associated; minus strand). Cytogenetic location: 17q21.31.
Variant type: single nucleotide variant.
Coding change: c.80+3038C>T on transcript NM_007294.4 (MANE Select); 3038 bases into the intron after coding-DNA position 80, C replaced by T.
Molecular consequence: intron variant.
Genome position (GRCh38, 1-based): chr17:43,120,979, G>A on the plus strand (C>T on the coding strand, the complement: BRCA1 is on the minus strand). VCF-style: chr17-43120979-G-A. GRCh37 (hg19) VCF-style: chr17-41272996-G-A.
Other names: IVS 2+3038C>T; c.80+3038C>T (NM_001408445.1, NM_001408432.1, NM_001407689.1 and 192 more transcripts); c.-340+3038C>T (NM_001407965.1); c.-178+3038C>T (NM_001407930.1, NM_001407843.1, NM_001408456.1 and 11 more transcripts); c.-182+3038C>T (NM_001408465.1, NM_001407695.1); c.-253-1714C>T (NM_001408482.1); c.-206-1714C>T (NM_001407920.1, NM_001407697.1, NM_001407846.1); c.-322-1714C>T (NM_001407696.1); and 23 more.
Identifiers: ClinVar variation 209557 (VCV000209557.2), dbSNP rs146467457, ClinGen allele CA276526.